The following is an entry in ClinVar:

ClinVar aggregate classification (germline): Uncertain significance (1 of 4 stars; one submission).

Conditions:
Inborn genetic diseases. Identifiers: MedGen C0950123, MeSH D030342.

Submission:

Ambry Genetics
Classification: Uncertain significance for Inborn genetic diseases. Last evaluated: 2026-02-28. Review status: criteria provided, single submitter. Criteria: Ambry Variant Classification Scheme 2023. Collection method: clinical testing. Allele origin: germline.
Comment: The p.R1799T variant (also known as c.5396G>C), located in coding exon 21 of the FANCM gene, results from a G to C substitution at nucleotide position 5396. The arginine at codon 1799 is replaced by threonine, an amino acid with similar properties. This amino acid position is conserved. In addition, this alteration is predicted to be tolerated by in silico analysis. Based on the available evidence, the clinical significance of this variant remains unclear.

NM_020937.4(FANCM):c.5396G>C (p.Arg1799Thr)

Gene: FANCM (FA complementation group M; plus strand). Cytogenetic location: 14q21.2.
Variant type: single nucleotide variant.
Coding change: c.5396G>C on transcript NM_020937.4 (MANE Select); coding-DNA position 5396, G replaced by C.
Protein change: p.Arg1799Thr; replaces arginine 1799 with threonine.
Molecular consequence: missense variant.
Genome position (GRCh38, 1-based): chr14:45,196,227, G>C. VCF-style: chr14-45196227-G-C. GRCh37 (hg19) VCF-style: chr14-45665430-G-C.
Other names: c.5318G>C, p.Arg1773Thr (NM_001308133.2); short protein forms R1799T, R1773T.
Identifiers: ClinVar variation 4826004 (VCV004826004.1).
Genomic context (GRCh38, chr14:45,196,227, plus strand): 5'-TTCAGGATGGTAGTGCTTTGGAGGATTCTAGCACTTCAGGGGCATCCTGTTCCAAGTCAA[G>C]ACCACATTTAGCTGGGACACATACTTCTCTTAGACTTCCGCAGGAAGGAAAAGGAACCTG-3'
Protein context (NP_065988.1, residues 1789-1809): STSGASCSKS[Arg1799Thr]PHLAGTHTSL